The following is an entry in ClinVar:

ClinVar aggregate classification (germline): Uncertain significance (1 of 4 stars; one submission).

Conditions:
Transcobalamin II deficiency (TCN2D). Also called: TC II DEFICIENCY; TCN2 DEFICIENCY; Transcolabamin II deficiency. Identifiers: Orphanet 859, MedGen C0342701, MONDO:0010149, OMIM 275350.

Submission:

Labcorp Genetics (formerly Invitae), Labcorp
Classification: Uncertain significance for Transcobalamin II deficiency. Last evaluated: 2024-01-02. Review status: criteria provided, single submitter. Criteria: Invitae Variant Classification Sherloc (09022015). Collection method: clinical testing. Allele origin: germline.
Comment: This sequence change replaces alanine, which is neutral and non-polar, with threonine, which is neutral and polar, at codon 270 of the TCN2 protein (p.Ala270Thr). This variant is not present in population databases (gnomAD no frequency). This variant has not been reported in the literature in individuals affected with TCN2-related conditions. ClinVar contains an entry for this variant (Variation ID: 1407450). Advanced modeling of protein sequence and biophysical properties (such as structural, functional, and spatial information, amino acid conservation, physicochemical variation, residue mobility, and thermodynamic stability) performed at Invitae indicates that this missense variant is not expected to disrupt TCN2 protein function with a negative predictive value of 80%. In summary, the available evidence is currently insufficient to determine the role of this variant in disease. Therefore, it has been classified as a Variant of Uncertain Significance.

NM_000355.4(TCN2):c.808G>A (p.Ala270Thr)

Gene: TCN2 (transcobalamin 2; plus strand). Cytogenetic location: 22q12.2.
Variant type: single nucleotide variant.
Coding change: c.808G>A on transcript NM_000355.4 (MANE Select); coding-DNA position 808, G replaced by A.
Protein change: p.Ala270Thr; replaces alanine 270 with threonine.
Molecular consequence: missense variant.
Genome position (GRCh38, 1-based): chr22:30,615,655, G>A. VCF-style: chr22-30615655-G-A. GRCh37 (hg19) VCF-style: chr22-31011642-G-A.
Other names: c.727G>A, p.Ala243Thr (NM_001184726.2); short protein forms A270T, A243T.
Identifiers: ClinVar variation 1407450 (VCV001407450.6), dbSNP rs1329472979, ClinGen allele CA411213208.